The following is an entry in ClinVar:

ClinVar aggregate classification (germline): Conflicting classifications of pathogenicity. Review status: criteria provided, conflicting classifications (1 of 4 stars). 6 submissions from 3 submitters: Uncertain significance (5); Likely benign (1). Last evaluated 2026-01-28.

Conditions:
Hyperinsulinemic hypoglycemia, familial, 1 (HHF1). Also called: Persistent hyperinsulinemic hypoglycemia of infancy; Persistent Hyperinsulinemia Hypoglycemia of Infancy; HYPERINSULINISM, FAMILIAL, WITH PANCREATIC NESIDIOBLASTOSIS; HYPOGLYCEMIA, HYPERINSULINEMIC, OF INFANCY; NESIDIOBLASTOSIS OF PANCREAS. Identifiers: Orphanet 276575, Orphanet 276598, MedGen C2931832, MONDO:0009734, OMIM 256450.
Transitory neonatal diabetes mellitus. Also called: Transient neonatal diabetes mellitus. Identifiers: MedGen C0342273, MONDO:0020525, HP:0008255.
Maturity-onset diabetes of the young (MODY). Also called: Maturity onset diabetes mellitus in young. Identifiers: Orphanet 552, MedGen C0342276, MONDO:0018911, HP:0004904.
Diabetes mellitus, transient neonatal, 2 (TNDM2). Identifiers: Orphanet 99886, MedGen C1835887, MONDO:0012480, OMIM 610374. Disease mechanism: loss of function.
Permanent neonatal diabetes mellitus (PNDM). Identifiers: Orphanet 99885, MedGen C1833104, MONDO:0100164, MONDO:0011643. Disease mechanism: gain of function.

Allele frequency attached by ClinVar (database versions not stated): ExAC 0.00001; gnomAD 0.00001; gnomAD exomes 0.00001; TOPMed 0.00001.
gnomAD v4.1: 12 of 1,613,824 alleles (0.00074%); highest among the groups gnomAD compares: Non-Finnish European, 0.00085%; no homozygotes.

Submissions (6):

Labcorp Genetics (formerly Invitae), Labcorp
Classification: Likely benign. Last evaluated: 2026-01-28. Review status: criteria provided, single submitter. Criteria: Invitae Variant Classification Sherloc (09022015). Collection method: clinical testing. Allele origin: germline.

Illumina Laboratory Services, Illumina
Classification: Uncertain significance for Hyperinsulinemic hypoglycemia, familial, 1. Last evaluated: 2018-01-13. Review status: criteria provided, single submitter. Criteria: ICSL Variant Classification Criteria 13 December 2019. Collection method: clinical testing. Allele origin: germline.

Illumina Laboratory Services, Illumina
Classification: Uncertain significance for Diabetes mellitus, transient neonatal, 2. Last evaluated: 2018-01-13. Review status: criteria provided, single submitter. Criteria: ICSL Variant Classification Criteria 13 December 2019. Collection method: clinical testing. Allele origin: germline.

Illumina Laboratory Services, Illumina
Classification: Uncertain significance for Permanent neonatal diabetes mellitus 1. Last evaluated: 2018-01-13. Review status: criteria provided, single submitter. Criteria: ICSL Variant Classification Criteria 13 December 2019. Collection method: clinical testing. Allele origin: germline.

Clinical Genomics, Uppaluri K&H Personalized Medicine Clinic
Classification: Uncertain significance for Maturity-onset diabetes of the young. Review status: criteria provided, single submitter. Criteria: K & H Uppaluri Personalized Medicine Clinic Variant Classification & Assertion Criteria_Updated V.1. Collection method: research. Allele origin: unknown. Inheritance: Autosomal dominant inheritance.
Comment: Mutations in ABCC8 gene are associated with both neonatal diabetes mellitus as well as MODY. Patients with this mutation may have a better response to sulfonylureas. However, no sufficient evidence is found to ascertain the role of this particular variant ( rs776498313) in MODY yet.

Clinical Genomics, Uppaluri K&H Personalized Medicine Clinic
Classification: Uncertain significance for Transitory neonatal diabetes mellitus. Review status: criteria provided, single submitter. Criteria: K & H Uppaluri Personalized Medicine Clinic Variant Classification & Assertion Criteria_Updated V.1. Collection method: research. Allele origin: unknown.
Comment: Mutations in ABCC8 gene are associated with both neonatal diabetes mellitus as well as MODY. Patients with this mutation may have a better response to sulfonylureas. However, no sufficient evidence is found to ascertain the role of this particular variant ( rs776498313) in neonatal diabetes yet.

Literature cited by the submitters: PubMed 16885549 (cited by Clinical Genomics, Uppaluri K&H Personalized Medicine Clinic); PubMed 21989597 (cited by Clinical Genomics, Uppaluri K&H Personalized Medicine Clinic); PubMed 27538677 (cited by Clinical Genomics, Uppaluri K&H Personalized Medicine Clinic); PubMed 18981553 (cited by Clinical Genomics, Uppaluri K&H Personalized Medicine Clinic); PubMed 32027066 (cited by Clinical Genomics, Uppaluri K&H Personalized Medicine Clinic); PubMed 16613899 (cited by Clinical Genomics, Uppaluri K&H Personalized Medicine Clinic); PubMed 18025408 (cited by Clinical Genomics, Uppaluri K&H Personalized Medicine Clinic); PubMed 32792356 (cited by Clinical Genomics, Uppaluri K&H Personalized Medicine Clinic).

NM_000352.6(ABCC8):c.933G>C (p.Leu311=)

Gene: ABCC8 (ATP binding cassette subfamily C member 8; minus strand). Cytogenetic location: 11p15.1.
Variant type: single nucleotide variant.
Coding change: c.933G>C on transcript NM_000352.6 (MANE Select); coding-DNA position 933, G replaced by C.
Protein change: p.Leu311=; no amino-acid change (leucine 311 retained).
Molecular consequence: synonymous variant. On other transcripts: non-coding transcript variant (1).
Genome position (GRCh38, 1-based): chr11:17,460,566, C>G on the plus strand (G>C on the coding strand, the complement: ABCC8 is on the minus strand). VCF-style: chr11-17460566-C-G. GRCh37 (hg19) VCF-style: chr11-17482113-C-G.
Other names: c.933G>C, p.Leu311= (NM_001287174.3, NM_001351295.2); c.930G>C, p.Leu310= (NM_001351296.2, NM_001351297.2).
Identifiers: ClinVar variation 878930 (VCV000878930.9), dbSNP rs776498313, ClinGen allele CA5903722.